The following is an entry in ClinVar:

NM_001886.3(CRYBA4):c.284G>C (p.Arg95Pro)

Gene: CRYBA4 (crystallin beta A4; plus strand). Cytogenetic location: 22q12.1.
Variant type: single nucleotide variant.
Coding change: c.284G>C on transcript NM_001886.3 (MANE Select); coding-DNA position 284, G replaced by C.
Protein change: p.Arg95Pro; replaces arginine 95 with proline.
Molecular consequence: missense variant.
Genome position (GRCh38, 1-based): chr22:26,625,606, G>C. VCF-style: chr22-26625606-G-C. GRCh37 (hg19) VCF-style: chr22-27021570-G-C.
Other names: short protein forms R95P.
Identifiers: ClinVar variation 4730944 (VCV004730944.1).

ClinVar aggregate classification (germline): Uncertain significance (1 of 4 stars; one submission).

Conditions:
Cataract 23 (CTRCT23). Also called: CATARACT 23, LAMELLAR; Cataract 23, multiple types. Identifiers: Orphanet 91492, MedGen C3808012, MONDO:0012489, OMIM 610425.

Submission:

Labcorp Genetics (formerly Invitae), Labcorp
Classification: Uncertain significance for Cataract 23. Last evaluated: 2025-11-18. Review status: criteria provided, single submitter. Criteria: Invitae Variant Classification Sherloc (09022015). Collection method: clinical testing. Allele origin: germline.
Comment: This sequence change replaces arginine, which is basic and polar, with proline, which is neutral and non-polar, at codon 95 of the CRYBA4 protein (p.Arg95Pro). This variant is not present in population databases (gnomAD no frequency). This variant has not been reported in the literature in individuals affected with CRYBA4-related conditions. An algorithm developed to predict the effect of missense changes on protein structure and function (PolyPhen-2) suggests that this variant is likely to be disruptive. In summary, the available evidence is currently insufficient to determine the role of this variant in disease. Therefore, it has been classified as a Variant of Uncertain Significance.